The following is an entry in ClinVar:

ClinVar aggregate classification (germline): Uncertain significance (1 of 4 stars; one submission).

Submission:

Labcorp Genetics (formerly Invitae), Labcorp
Classification: Uncertain significance. Last evaluated: 2023-07-12. Review status: criteria provided, single submitter. Criteria: Invitae Variant Classification Sherloc (09022015). Collection method: clinical testing. Allele origin: unknown.
Comment: In summary, the available evidence is currently insufficient to determine the role of this variant in disease. Therefore, it has been classified as a Variant of Uncertain Significance. This variant has not been reported in the literature in individuals affected with FGF12-related conditions. This variant is a gross deletion of the genomic region encompassing exon(s) 4-5 of the FGF12 gene, which includes the termination codon. This deletion extends beyond the assayed region for this gene and therefore may encompass additional genes. While this deletion is not anticipated to lead to nonsense mediated decay, it is expected to alter mRNA translation or result in a truncated protein product.

NC_000003.11:g.(?_191861798)_(191888465_?)del

Gene: FGF12 (fibroblast growth factor 12; minus strand). Cytogenetic location: 3q28.
Variant type: Deletion.
Identifiers: ClinVar variation 3247035 (VCV003247035.1).